The following is an entry in ClinVar:

ClinVar aggregate classification (germline): Uncertain significance (1 of 4 stars; one submission).

Conditions:
Myofibrillar myopathy 4. Also called: Zaspopathy (type). Identifiers: Orphanet 98912, MedGen C4721886, MONDO:0012277, OMIM 609452.

Submission:

Labcorp Genetics (formerly Invitae), Labcorp
Classification: Uncertain significance for Myofibrillar myopathy 4. Last evaluated: 2021-11-27. Review status: criteria provided, single submitter. Criteria: Invitae Variant Classification Sherloc (09022015). Collection method: clinical testing. Allele origin: germline.
Comment: This sequence change replaces serine, which is neutral and polar, with arginine, which is basic and polar, at codon 36 of the LDB3 protein (p.Ser36Arg). This variant is not present in population databases (gnomAD no frequency). This variant has not been reported in the literature in individuals affected with LDB3-related conditions. Algorithms developed to predict the effect of missense changes on protein structure and function are either unavailable or do not agree on the potential impact of this missense change (SIFT: "Deleterious"; PolyPhen-2: "Probably Damaging"; Align-GVGD: "Class C0"). In summary, the available evidence is currently insufficient to determine the role of this variant in disease. Therefore, it has been classified as a Variant of Uncertain Significance.

NM_007078.3(LDB3):c.108C>G (p.Ser36Arg)

Gene: LDB3 (LIM domain binding 3; plus strand). Cytogenetic location: 10q23.2.
Variant type: single nucleotide variant.
Coding change: c.108C>G on transcript NM_007078.3 (MANE Select); coding-DNA position 108, C replaced by G.
Protein change: p.Ser36Arg; replaces serine 36 with arginine.
Molecular consequence: missense variant.
Genome position (GRCh38, 1-based): chr10:86,679,381, C>G. VCF-style: chr10-86679381-C-G. GRCh37 (hg19) VCF-style: chr10-88439138-C-G.
Other names: c.108C>G, p.Ser36Arg (NM_001080114.2, NM_001080115.2, NM_001080116.1 and 8 more transcripts); short protein forms S36R.
Identifiers: ClinVar variation 1395518 (VCV001395518.6), dbSNP rs2132360019, ClinGen allele CA377451058.